The following is an entry in ClinVar:

ClinVar aggregate classification (germline): Uncertain significance (1 of 4 stars; one submission).

Allele frequency attached by ClinVar (database versions not stated): TOPMed below 0.00001.
gnomAD v4.1: 3 of 1,609,496 alleles (0.00019%); highest among the groups gnomAD compares: Non-Finnish European, 0.00025%; no homozygotes.

Submission:

GeneDx
Classification: Uncertain significance. Last evaluated: 2016-06-21. Review status: criteria provided, single submitter. Criteria: GeneDx Variant Classification (06012015). Collection method: clinical testing. Allele origin: germline. Affected: yes.
Comment: The R357G variant in the CANCB2 gene has not been reported previously as a pathogenic variant, nor as a benign variant, to our knowledge. The R357G variant was not observed in approximately 6500 individuals of European and African American ancestry in the NHLBI Exome Sequencing Project, indicating it is not a common benign variant in these populations. The R357G variant is a non-conservative amino acid substitution, which is likely to impact secondary protein structure as these residues differ in polarity, charge, size and/or other properties. This substitution occurs at a position that is conserved across species. In silico analysis predicts this variant is probably damaging to the protein structure/function. We interpret R357G as a variant of uncertain significance

NM_201596.3(CACNB2):c.1231C>G (p.Arg411Gly)

Gene: CACNB2 (calcium voltage-gated channel auxiliary subunit beta 2; plus strand). Cytogenetic location: 10p12.31.
Variant type: single nucleotide variant.
Coding change: c.1231C>G on transcript NM_201596.3 (MANE Select); coding-DNA position 1231, C replaced by G.
Protein change: p.Arg411Gly; replaces arginine 411 with glycine.
Molecular consequence: missense variant.
Genome position (GRCh38, 1-based): chr10:18,536,125, C>G. VCF-style: chr10-18536125-C-G. GRCh37 (hg19) VCF-style: chr10-18825054-C-G.
Other names: c.1066C>G, p.Arg356Gly (NM_000724.4); c.1033C>G, p.Arg345Gly (NM_001167945.2); c.952C>G, p.Arg318Gly (NM_001330060.2); c.1087C>G, p.Arg363Gly (NM_201570.3); c.1147C>G, p.Arg383Gly (NM_201571.4); c.1075C>G, p.Arg359Gly (NM_201572.4); c.1069C>G, p.Arg357Gly (NM_201590.3); c.1117C>G, p.Arg373Gly (NM_201593.3); and 1 more; short protein forms R357G, R411G, R318G, R345G, R359G, R387G, R356G, R363G.
Identifiers: ClinVar variation 421510 (VCV000421510.2), dbSNP rs919908363, ClinGen allele CA16618946.